The following is an entry in ClinVar:

ClinVar aggregate classification (germline): Uncertain significance (1 of 4 stars; one submission).

Conditions:
Neuropathy, hereditary sensory and autonomic, type 2A (HSAN2A). Also called: ACROOSTEOLYSIS, GIACCAI TYPE; ACROOSTEOLYSIS, NEUROGENIC; MORVAN DISEASE; NEUROPATHY, CONGENITAL SENSORY; NEUROPATHY, HEREDITARY SENSORY RADICULAR, AUTOSOMAL RECESSIVE; NEUROPATHY, HEREDITARY SENSORY, TYPE IIA. Identifiers: Orphanet 970, MedGen C2752089, MONDO:0024309, OMIM 201300.
Generalized epilepsy with febrile seizures plus, type 7 (GEFSP7). Also called: GEFS+, TYPE 7. Identifiers: Orphanet 36387, MedGen C2751778, MONDO:0013470, OMIM 613863.

Submission:

Labcorp Genetics (formerly Invitae), Labcorp
Classification: Uncertain significance for Neuropathy, hereditary sensory and autonomic, type 2A; Generalized epilepsy with febrile seizures plus, type 7. Last evaluated: 2024-01-09. Review status: criteria provided, single submitter. Criteria: Invitae Variant Classification Sherloc (09022015). Collection method: clinical testing. Allele origin: germline.
Comment: This sequence change replaces glycine, which is neutral and non-polar, with glutamic acid, which is acidic and polar, at codon 1615 of the SCN9A protein (p.Gly1615Glu). This variant is not present in population databases (gnomAD no frequency). This variant has not been reported in the literature in individuals affected with SCN9A-related conditions. Advanced modeling of protein sequence and biophysical properties (such as structural, functional, and spatial information, amino acid conservation, physicochemical variation, residue mobility, and thermodynamic stability) performed at Invitae indicates that this missense variant is not expected to disrupt SCN9A protein function with a negative predictive value of 95%. In summary, the available evidence is currently insufficient to determine the role of this variant in disease. Therefore, it has been classified as a Variant of Uncertain Significance.

NM_001365536.1(SCN9A):c.4877G>A (p.Gly1626Glu)

Genes: SCN1A-AS1 (SCN1A and SCN9A antisense RNA 1; plus strand), SCN9A (sodium voltage-gated channel alpha subunit 9; minus strand). Cytogenetic location: 2q24.3.
Variant type: single nucleotide variant.
Coding change: c.4877G>A on transcript NM_001365536.1 (MANE Select); coding-DNA position 4877, G replaced by A.
Protein change: p.Gly1626Glu; replaces glycine 1626 with glutamic acid.
Molecular consequence: missense variant. On other transcripts: non-coding transcript variant (1).
Genome position (GRCh38, 1-based): chr2:166,199,762, C>T on the plus strand (G>A on the coding strand, the complement: SCN9A is on the minus strand). VCF-style: chr2-166199762-C-T. GRCh37 (hg19) VCF-style: chr2-167056272-C-T.
Other names: c.4844G>A, p.Gly1615Glu (NM_002977.4); short protein forms G1626E, G1615E.
Identifiers: ClinVar variation 2952247 (VCV002952247.3), dbSNP rs200364146, ClinGen allele CA349055294.